The following is an entry in ClinVar:

ClinVar aggregate classification (germline): Benign (1 of 4 stars; one submission).

Conditions:
Charcot-Marie-Tooth disease type 1F. Also called: CHARCOT-MARIE-TOOTH NEUROPATHY, TYPE 1F; Charcot-Marie-Tooth disease, demyelinating, type 1f. Identifiers: Orphanet 101085, MedGen C1843164, MONDO:0011902, OMIM 607734.

Allele frequency attached by ClinVar (database versions not stated): gnomAD exomes 0.00029; 1000 Genomes Project 0.00220; 1000 Genomes Project 30x 0.00265; gnomAD 0.00275 and 0.00290; TOPMed 0.00307.

Submission:

Illumina Laboratory Services, Illumina
Classification: Benign for Charcot-Marie-Tooth disease type 1F. Last evaluated: 2018-01-13. Review status: criteria provided, single submitter. Criteria: ICSL Variant Classification Criteria 13 December 2019. Collection method: clinical testing. Allele origin: germline.
Comment: This variant was observed in the ICSL laboratory as part of a predisposition screen in an ostensibly healthy population. It had not been previously curated by ICSL or reported in the Human Gene Mutation Database (HGMD: prior to June 1st, 2018), and was therefore a candidate for classification through an automated scoring system. Utilizing variant allele frequency, disease prevalence and penetrance estimates, and inheritance mode, an automated score was calculated to assess if this variant is too frequent to cause the disease. Based on the score and internal cut-off values, a variant classified as benign is not then subjected to further curation. The score for this variant resulted in a classification of benign for this disease.

NM_006158.5(NEFL):c.*244A>G

Gene: NEFL (neurofilament light chain; minus strand). Cytogenetic location: 8p21.2.
Variant type: single nucleotide variant.
Coding change: c.*244A>G on transcript NM_006158.5 (MANE Select); 244 bases downstream of the stop codon, A replaced by G.
Molecular consequence: 3 prime UTR variant.
Genome position (GRCh38, 1-based): chr8:24,952,566, T>C on the plus strand (A>G on the coding strand, the complement: NEFL is on the minus strand). VCF-style: chr8-24952566-T-C. GRCh37 (hg19) VCF-style: chr8-24810079-T-C.
Identifiers: ClinVar variation 362640 (VCV000362640.5), dbSNP rs78869168, ClinGen allele CA10627535.
Genomic context (GRCh38, chr8:24,952,566, plus strand): 5'-ATGTGGTGTTTTTTATTGTAAACATCTGAATGATTCACATTGCCGTAGATCCTGAACTCA[T>C]AAGCGTGGTCCATGCACAGGCTGGCAGCAAGCCAGAAAGCCACTCTGCAAGCAAACAGAT-3'